The following is an entry in ClinVar:

ClinVar aggregate classification (germline): Conflicting classifications of pathogenicity. Review status: criteria provided, conflicting classifications (1 of 4 stars). 2 submissions from 2 submitters: Likely pathogenic (1); Uncertain significance (1). Last evaluated 2025-09-23.

gnomAD v4.1: 6 of 1,614,024 alleles (0.00037%); highest among the groups gnomAD compares: Non-Finnish European, 0.00051%; no homozygotes.

Submissions (2):

Labcorp Genetics (formerly Invitae), Labcorp
Classification: Likely pathogenic. Last evaluated: 2025-09-23. Review status: criteria provided, single submitter. Criteria: Invitae Variant Classification Sherloc (09022015). Collection method: clinical testing. Allele origin: germline.
Comment: This sequence change replaces glycine, which is neutral and non-polar, with serine, which is neutral and polar, at codon 382 of the COL4A1 protein (p.Gly382Ser). This variant is not present in population databases (gnomAD no frequency). This missense change has been observed in individual(s) with COL4A1-related conditions (PMID: 37152446). ClinVar contains an entry for this variant (Variation ID: 3615551). Invitae Evidence Modeling of protein sequence and biophysical properties (such as structural, functional, and spatial information, amino acid conservation, physicochemical variation, residue mobility, and thermodynamic stability) indicates that this missense variant is expected to disrupt COL4A1 protein function with a positive predictive value of 95%. This variant disrupts the triple helix domain of COL4A1. Glycine residues within the Gly-Xaa-Yaa repeats of the triple helix domain are required for the structure and stability of fibrillar collagens (PMID: 7695699, 8218237, 19344236). In COL4A1 variants affecting these glycine residues are significantly enriched in individuals with disease (PMID: 9016532, 17078022) compared to the general population (ExAC). In summary, the currently available evidence indicates that the variant is pathogenic, but additional data are needed to prove that conclusively. Therefore, this variant has been classified as Likely Pathogenic.

GeneDx
Classification: Uncertain significance. Last evaluated: 2025-03-28. Review status: criteria provided, single submitter. Criteria: GeneDx Variant Classification Process June 2021. Collection method: clinical testing. Allele origin: germline. Affected: yes.
Comment: Reported in a patient with cerebral white matter lesions, generalized pain, fatigue, and refractory migraine in published literature (PMID: 37152446); Affects a glycine residue in a Gly-X-Y motif in the triple helical region of the COL4A1 gene, where the majority of pathogenic missense variants occur, and is predicted to disrupt normal protein folding and function (PMID: 22522439, 23225343); In silico analysis supports that this missense variant has a deleterious effect on protein structure/function; This variant is associated with the following publications: (PMID: 22522439, 23225343, 37152446)

Literature cited by the submitters: PubMed 37152446 (cited by Labcorp Genetics (formerly Invitae), Labcorp); PubMed 7695699 (cited by Labcorp Genetics (formerly Invitae), Labcorp); PubMed 8218237 (cited by Labcorp Genetics (formerly Invitae), Labcorp); PubMed 19344236 (cited by Labcorp Genetics (formerly Invitae), Labcorp); PubMed 9016532 (cited by Labcorp Genetics (formerly Invitae), Labcorp); PubMed 17078022 (cited by Labcorp Genetics (formerly Invitae), Labcorp).

NM_001845.6(COL4A1):c.1144G>A (p.Gly382Ser)

Gene: COL4A1 (collagen type IV alpha 1 chain; minus strand). Cytogenetic location: 13q34.
Variant type: single nucleotide variant.
Coding change: c.1144G>A on transcript NM_001845.6 (MANE Select); coding-DNA position 1144, G replaced by A.
Protein change: p.Gly382Ser; replaces glycine 382 with serine.
Molecular consequence: missense variant.
Genome position (GRCh38, 1-based): chr13:110,198,608, C>T on the plus strand (G>A on the coding strand, the complement: COL4A1 is on the minus strand). VCF-style: chr13-110198608-C-T. GRCh37 (hg19) VCF-style: chr13-110850955-C-T.
Other names: c.1144G>A (NM_001845.4); c.1144G>A, p.Gly382Ser (NM_001303110.2); short protein forms G382S.
Identifiers: ClinVar variation 3615551 (VCV003615551.3).